The following is an entry in ClinVar:

NM_001035.3(RYR2):c.8312A>G (p.Tyr2771Cys)

Gene: RYR2 (ryanodine receptor 2; plus strand). Cytogenetic location: 1q43.
Variant type: single nucleotide variant.
Coding change: c.8312A>G on transcript NM_001035.3 (MANE Select); coding-DNA position 8312, A replaced by G.
Protein change: p.Tyr2771Cys; replaces tyrosine 2771 with cysteine.
Molecular consequence: missense variant.
Genome position (GRCh38, 1-based): chr1:237,660,823, A>G. VCF-style: chr1-237660823-A-G. GRCh37 (hg19) VCF-style: chr1-237824123-A-G.
Other names: short protein forms Y2771C.
Identifiers: ClinVar variation 2774342 (VCV002774342.4), dbSNP rs2547120172, ClinGen allele CA345401755.

ClinVar aggregate classification (germline): Uncertain significance. Review status: criteria provided, multiple submitters, no conflicts (2 of 4 stars). 2 submissions from 2 submitters: Uncertain significance (2). Last evaluated 2024-10-15.

Conditions:
Catecholaminergic polymorphic ventricular tachycardia 1. Also called: VENTRICULAR TACHYCARDIA, STRESS-INDUCED POLYMORPHIC 1; VENTRICULAR TACHYCARDIA, CATECHOLAMINERGIC POLYMORPHIC, 1, WITH OR WITHOUT ATRIAL DYSFUNCTION AND/OR DILATED CARDIOMYOPATHY; RYR2-Related Catecholaminergic Polymorphic Ventricular Tachycardia. Identifiers: Orphanet 3286, MedGen C1631597, MONDO:0011484, OMIM 604772.
Cardiomyopathy (CMYO). Also called: Cardiomyopathies. Identifiers: Orphanet 167848, MedGen C0878544, MONDO:0004994, HP:0001638. Inheritance: Various modes of inheritance.

Submissions (2):

Labcorp Genetics (formerly Invitae), Labcorp
Classification: Uncertain significance for Catecholaminergic polymorphic ventricular tachycardia 1. Last evaluated: 2024-10-15. Review status: criteria provided, single submitter. Criteria: Invitae Variant Classification Sherloc (09022015). Collection method: clinical testing. Allele origin: germline.
Comment: This sequence change replaces tyrosine, which is neutral and polar, with cysteine, which is neutral and slightly polar, at codon 2771 of the RYR2 protein (p.Tyr2771Cys). This variant is not present in population databases (gnomAD no frequency). This variant has not been reported in the literature in individuals affected with RYR2-related conditions. Invitae Evidence Modeling of protein sequence and biophysical properties (such as structural, functional, and spatial information, amino acid conservation, physicochemical variation, residue mobility, and thermodynamic stability) indicates that this missense variant is expected to disrupt RYR2 protein function with a positive predictive value of 95%. In summary, the available evidence is currently insufficient to determine the role of this variant in disease. Therefore, it has been classified as a Variant of Uncertain Significance.

Color Diagnostics, LLC DBA Color Health
Classification: Uncertain significance for Cardiomyopathy. Last evaluated: 2024-03-06. Review status: criteria provided, single submitter. Criteria: ACMG Guidelines, 2015. Collection method: clinical testing. Allele origin: germline.
Comment: This missense variant replaces tyrosine with cysteine at codon 2771 of the RYR2 protein. Computational prediction suggests that this variant may have deleterious impact on protein structure and function (internally defined REVEL score threshold >= 0.7, PMID: 27666373). To our knowledge, functional studies have not been reported for this variant. This variant has not been reported in individuals affected with cardiovascular disorders in the literature. This variant has not been identified in the general population by the Genome Aggregation Database (gnomAD). The available evidence is insufficient to determine the role of this variant in disease conclusively. Therefore, this variant is classified as a Variant of Uncertain Significance.